The following is an entry in ClinVar:

NM_213599.3(ANO5):c.932C>A (p.Thr311Lys)

Gene: ANO5 (anoctamin 5; plus strand). Cytogenetic location: 11p14.3.
Variant type: single nucleotide variant.
Coding change: c.932C>A on transcript NM_213599.3 (MANE Select); coding-DNA position 932, C replaced by A.
Protein change: p.Thr311Lys; replaces threonine 311 with lysine.
Molecular consequence: missense variant.
Genome position (GRCh38, 1-based): chr11:22,250,290, C>A. VCF-style: chr11-22250290-C-A. GRCh37 (hg19) VCF-style: chr11-22271836-C-A.
Other names: c.929C>A, p.Thr310Lys (NM_001142649.2); short protein forms T311K, T310K.
Identifiers: ClinVar variation 838782 (VCV000838782.10), dbSNP rs1564935740, ClinGen allele CA379920753.

ClinVar aggregate classification (germline): Uncertain significance (1 of 4 stars; one submission).

Conditions:
Autosomal recessive limb-girdle muscular dystrophy type 2L (LGMDR12). Also called: Limb-girdle muscular dystrophy, type 2L; Limb-Girdle Muscular Dystrophy R12 Anoctamin-5-Related (LGMD-R12); MUSCULAR DYSTROPHY, LIMB-GIRDLE, AUTOSOMAL RECESSIVE 12. Identifiers: Orphanet 206549, MedGen C1969785, MONDO:0012652, OMIM 611307.
Gnathodiaphyseal dysplasia (GDD). Also called: OSTEOGENESIS IMPERFECTA WITH UNUSUAL SKELETAL LESIONS; GNATHODIAPHYSEAL SCLEROSIS. Identifiers: Orphanet 53697, MedGen C1833736, MONDO:0008151, OMIM 166260.

Submission:

Labcorp Genetics (formerly Invitae), Labcorp
Classification: Uncertain significance for Autosomal recessive limb-girdle muscular dystrophy type 2L; Gnathodiaphyseal dysplasia. Last evaluated: 2019-11-21. Review status: criteria provided, single submitter. Criteria: Invitae Variant Classification Sherloc (09022015). Collection method: clinical testing. Allele origin: germline.
Comment: This variant has not been reported in the literature in individuals with ANO5-related conditions. This variant is not present in population databases (ExAC no frequency). This sequence change replaces threonine with lysine at codon 311 of the ANO5 protein (p.Thr311Lys). The threonine residue is highly conserved and there is a moderate physicochemical difference between threonine and lysine. In summary, the available evidence is currently insufficient to determine the role of this variant in disease. Therefore, it has been classified as a Variant of Uncertain Significance. Algorithms developed to predict the effect of missense changes on protein structure and function are either unavailable or do not agree on the potential impact of this missense change (SIFT: "Tolerated"; PolyPhen-2: "Probably Damaging"; Align-GVGD: "Class C0").